The following is an entry in ClinVar:

ClinVar aggregate classification (germline): Pathogenic/Likely pathogenic. Review status: criteria provided, multiple submitters, no conflicts (2 of 4 stars). 5 submissions from 5 submitters: Pathogenic (1); Likely pathogenic (4). Last evaluated 2024-02-14.

Conditions:
Ectopia lentis. Identifiers: MedGen C0013581, HP:0001083.
Mitral regurgitation. Identifiers: MedGen C0026266, MONDO:1030008, HP:0001653.
Aortic dissection. Identifiers: MedGen C0340643, HP:0002647.
Marfan Syndrome/Loeys-Dietz Syndrome/Familial Thoracic Aortic Aneurysms and Dissections. Identifiers: MedGen CN229799.
Marfan syndrome (MFS). Also called: Marfan syndrome, classic; Marfan syndrome type 1; Marfan's syndrome; MARFAN SYNDROME, TYPE I; FBN1-Related Marfan Syndrome. Identifiers: Orphanet 284963, Orphanet 558, MedGen C0024796, MONDO:0007947, OMIM 154700.
Familial thoracic aortic aneurysm and aortic dissection (TAAD). Also called: Thoracic aortic aneurysms and dissections. Identifiers: Orphanet 91387, MedGen C4707243, MONDO:0019625.

Submissions (5):

Women's Health and Genetics/Laboratory Corporation of America, LabCorp
Classification: Likely pathogenic for Marfan Syndrome/Loeys-Dietz Syndrome/Familial Thoracic Aortic Aneurysms and Dissections. Last evaluated: 2024-02-14. Review status: criteria provided, single submitter. Criteria: LabCorp Variant Classification Summary - May 2015. Collection method: clinical testing. Allele origin: germline.
Comment: Variant summary: FBN1 c.478T>C (p.Cys160Arg) results in a non-conservative amino acid change located in an EGF-like domain (IPR000742) of the encoded protein sequence. This alters a highly conserved amino acid (HGMD) in which another pathogenic missense variant occurs (p.Cys160Tyr), suggesting this is a functionally important residue. Five of five in-silico tools predict a damaging effect of the variant on protein function. The variant was absent in 251380 control chromosomes (gnomAD). c.478T>C has been reported in the literature in individuals affected with Marfan Syndrome (Comeglio_2007, Franken_2017, Guo_2021). These data indicate that the variant is likely to be associated with disease. To our knowledge, no experimental evidence demonstrating an impact on protein function has been reported. The following publications have been ascertained in the context of this evaluation (PMID: 17657824, 28468757, 33844962). ClinVar contains an entry for this variant (Variation ID: 374203). Based on the evidence outlined above, the variant was classified as likely pathogenic.

Division of Human Genetics, National Health Laboratory Service/University of the Witwatersrand
Classification: Likely pathogenic for Marfan syndrome. Last evaluated: 2023-07-01. Review status: criteria provided, single submitter. Criteria: ACMG Guidelines, 2015. Collection method: research. Allele origin: germline. Affected: yes.

3billion
Classification: Likely pathogenic for Marfan syndrome. Last evaluated: 2022-05-22. Review status: criteria provided, single submitter. Criteria: ACMG Guidelines, 2015. Collection method: clinical testing. Allele origin: germline. Affected: yes. Observed: 1 heterozygote.
Comment: The variant is not observed in the gnomAD v2.1.1 dataset. In silico tool predictions suggest damaging effect of the variant on gene or gene product (REVEL: 0.99; 3Cnet: 0.99). Same nucleotide change resulting in same amino acid change has been previously reported as pathogenic/likely pathogenic with strong evidence (ClinVar ID: VCV000374203). A different missense change at the same codon (p.Cys160Tyr) has been reported as pathogenic/likely pathogenic with strong evidence (ClinVar ID: VCV000549250). Therefore, this variant is classified as likely pathogenic according to the recommendation of ACMG/AMP guideline.

Labcorp Genetics (formerly Invitae), Labcorp
Classification: Pathogenic for Marfan syndrome; Familial thoracic aortic aneurysm and aortic dissection. Last evaluated: 2021-05-07. Review status: criteria provided, single submitter. Criteria: Invitae Variant Classification Sherloc (09022015). Collection method: clinical testing. Allele origin: germline.
Comment: For these reasons, this variant has been classified as Pathogenic. This variant affects a cysteine residue in the EGF-like, TGFBP or hybrid motif domains of FBN1. Cysteine residues are believed to be involved in intramolecular disulfide bridges and have been shown to be important for FBN1 protein structure (PMID: 16905551, 19349279). In addition, missense substitutions affecting cysteine residues within these domains are significantly overrepresented among patients with Marfan syndrome (PMID: 16571647, 17701892). Advanced modeling of protein sequence and biophysical properties (such as structural, functional, and spatial information, amino acid conservation, physicochemical variation, residue mobility, and thermodynamic stability) performed at Invitae indicates that this missense variant is expected to disrupt FBN1 protein function. This variant has been observed in individual(s) with clinical features of Marfan syndrome (PMID: 17657824, Invitae). ClinVar contains an entry for this variant (Variation ID: 374203). This variant is not present in population databases (ExAC no frequency). This sequence change replaces cysteine with arginine at codon 160 of the FBN1 protein (p.Cys160Arg). The cysteine residue is highly conserved and there is a large physicochemical difference between cysteine and arginine.

Centre for Mendelian Genomics, University Medical Centre Ljubljana
Classification: Likely pathogenic for Aortic dissection; Ectopia lentis; Mitral regurgitation. Last evaluated: 2013-12-20. Review status: criteria provided, single submitter. Criteria: ACMG Guidelines, 2015. Collection method: clinical testing. Allele origin: unknown. Affected: yes.

Literature cited by the submitters: PubMed 17657824 (cited by Women's Health and Genetics/Laboratory Corporation of America, LabCorp and Labcorp Genetics (formerly Invitae), Labcorp); PubMed 28468757 (cited by Women's Health and Genetics/Laboratory Corporation of America, LabCorp); PubMed 33844962 (cited by Women's Health and Genetics/Laboratory Corporation of America, LabCorp); PubMed 16905551 (cited by Labcorp Genetics (formerly Invitae), Labcorp); PubMed 19349279 (cited by Labcorp Genetics (formerly Invitae), Labcorp); PubMed 16571647 (cited by Labcorp Genetics (formerly Invitae), Labcorp); PubMed 17701892 (cited by Labcorp Genetics (formerly Invitae), Labcorp).

NM_000138.5(FBN1):c.478T>C (p.Cys160Arg)

Gene: FBN1 (fibrillin 1; minus strand). Cytogenetic location: 15q21.1.
Variant type: single nucleotide variant.
Coding change: c.478T>C on transcript NM_000138.5 (MANE Select); coding-DNA position 478, T replaced by C.
Protein change: p.Cys160Arg; replaces cysteine 160 with arginine.
Molecular consequence: missense variant.
Genome position (GRCh38, 1-based): chr15:48,596,343, A>G on the plus strand (T>C on the coding strand, the complement: FBN1 is on the minus strand). VCF-style: chr15-48596343-A-G. GRCh37 (hg19) VCF-style: chr15-48888540-A-G.
Other names: short protein forms C160R.
Identifiers: ClinVar variation 374203 (VCV000374203.14), dbSNP rs1057518973, ClinGen allele CA16043496.